The following is an entry in ClinVar:

NM_005996.4(TBX3):c.45G>A (p.Met15Ile)

Genes: TBX3 (T-box transcription factor 3; minus strand), TBX3-AS1 (TBX3 antisense RNA 1; plus strand). Cytogenetic location: 12q24.21.
Variant type: single nucleotide variant.
Coding change: c.45G>A on transcript NM_005996.4 (MANE Select); coding-DNA position 45, G replaced by A.
Protein change: p.Met15Ile; replaces methionine 15 with isoleucine.
Molecular consequence: missense variant.
Genome position (GRCh38, 1-based): chr12:114,683,156, C>T on the plus strand (G>A on the coding strand, the complement: TBX3 is on the minus strand). VCF-style: chr12-114683156-C-T. GRCh37 (hg19) VCF-style: chr12-115120961-C-T.
Other names: c.45G>A, p.Met15Ile (NM_016569.4); short protein forms M15I.
Identifiers: ClinVar variation 4997525 (VCV004997525.1).

ClinVar aggregate classification (germline): Uncertain significance (1 of 4 stars; one submission).

Conditions:
TBX3-related disorder. Also called: TBX3-related condition.

Submission:

PreventionGenetics, part of Exact Sciences
Classification: Uncertain significance for TBX3-related condition. Last evaluated: 2024-12-31. Review status: criteria provided, single submitter. Criteria: ACMG Guidelines, 2015. Collection method: clinical testing. Allele origin: germline.
Comment: The TBX3 c.45G>A variant is predicted to result in the amino acid substitution p.Met15Ile. To our knowledge, this variant has not been reported in the literature or in a large population database (gnomAD), indicating this variant is rare. At this time, the clinical significance of this variant is uncertain due to the absence of conclusive functional and genetic evidence.